The following is an entry in ClinVar:

ClinVar aggregate classification (germline): Likely pathogenic (1 of 4 stars; one submission).

Conditions:
X-linked Alport syndrome (ATS1). Also called: NEPHROPATHY AND DEAFNESS, X-LINKED; COL4A5-Related Nephropathy. Identifiers: Orphanet 63, Orphanet 88917, MedGen C4746986, MONDO:0010520, OMIM 301050.

Submissions (3):

Myriad Genetics, Inc.
Classification: Likely pathogenic for X-linked Alport syndrome. Last evaluated: 2019-06-07. Review status: criteria provided, single submitter. Criteria: Myriad Women's Health Autosomal Recessive and X-Linked Classification Criteria (2019). Collection method: clinical testing. Allele origin: unknown.
Comment: NM_000495.4(COL4A5):c.1378G>T(G460*) is expected to be pathogenic in the context of X-linked Alport syndrome. This variant is predicted to lead to an abnormal or absent protein product due to the creation of a premature termination codon in COL4A5, a gene where loss-of-function variants are known to be pathogenic. Please note: this variant was assessed in the context of healthy population screening.

Dr. Peter K. Rogan Lab, Western University
No classification provided (evidence only). Condition: Thyroid cancer, nonmedullary, 1. Review status: no classification provided. Collection method: in vitro. Allele origin: not applicable. Functional consequence: retained intron. Not counted in ClinVar's aggregate classification.

Dr. Peter K. Rogan Lab, Western University
No classification provided (evidence only). Condition: Thyroid cancer, nonmedullary, 1. Review status: no classification provided. Collection method: in vitro. Allele origin: not applicable. Functional consequence: retained intron. Not counted in ClinVar's aggregate classification.

NM_033380.3(COL4A5):c.1378G>T (p.Gly460Ter)

Gene: COL4A5 (collagen type IV alpha 5 chain; plus strand). Cytogenetic location: Xq22.3.
Variant type: single nucleotide variant.
Coding change: c.1378G>T on transcript NM_033380.3 (MANE Select); coding-DNA position 1378, G replaced by T.
Protein change: p.Gly460Ter; replaces glycine 460 with a stop codon.
Molecular consequence: nonsense.
Genome position (GRCh38, 1-based): chrX:108,591,599, G>T. VCF-style: chrX-108591599-G-T. GRCh37 (hg19) VCF-style: chrX-107834829-G-T.
Other names: NC_000023.10:g.107834829G>T; c.1378G>T, p.Gly460Ter (NM_000495.5); short protein forms G460*.
Identifiers: ClinVar variation 983614 (VCV000983614.4), dbSNP rs2066435557, ClinGen allele CA413934580.